The following is an entry in ClinVar:

NM_000211.5(ITGB2):c.1893C>T (p.Cys631=)

Gene: ITGB2 (integrin subunit beta 2; minus strand). Cytogenetic location: 21q22.3.
Variant type: single nucleotide variant.
Coding change: c.1893C>T on transcript NM_000211.5 (MANE Select); coding-DNA position 1893, C replaced by T.
Protein change: p.Cys631=; no amino-acid change (cysteine 631 retained).
Molecular consequence: synonymous variant.
Genome position (GRCh38, 1-based): chr21:44,888,880, G>A on the plus strand (C>T on the coding strand, the complement: ITGB2 is on the minus strand). VCF-style: chr21-44888880-G-A. GRCh37 (hg19) VCF-style: chr21-46308795-G-A.
Other names: p.Cys631=; c.1893C>T (LRG_76t1); c.1893C>T, p.Cys631= (NM_001127491.3); c.1686C>T, p.Cys562= (NM_001303238.2).
Identifiers: ClinVar variation 340142 (VCV000340142.18), dbSNP rs17004713, ClinGen allele CA10062641.

ClinVar aggregate classification (germline): Benign. Review status: criteria provided, multiple submitters, no conflicts (2 of 4 stars). 5 submissions from 5 submitters: Benign (5). Last evaluated 2026-01-26.

Conditions:
Leukocyte adhesion deficiency 1 (LAD1). Also called: LEUKOCYTE ADHESION DEFICIENCY, TYPE I; LAD 1; Lymphocyte function-associated antigen 1 immunodeficiency; LFA 1 immunodeficiency. Identifiers: Orphanet 2968, Orphanet 99842, MedGen C0398738, MONDO:0007293, OMIM 116920.

Allele frequency attached by ClinVar (database versions not stated): gnomAD exomes 0.00194; gnomAD 0.01831 and 0.01984; 1000 Genomes Project 0.01997; TOPMed 0.02053; 1000 Genomes Project 30x 0.02077; ESP Exome Variant Server 0.02107.
gnomAD v4.1: 5,715 of 1,605,844 alleles (0.36%); highest among the groups gnomAD compares: African/African-American, 6.5%; 173 homozygotes.

Submissions (5):

Labcorp Genetics (formerly Invitae), Labcorp
Classification: Benign for Leukocyte adhesion deficiency 1. Last evaluated: 2026-01-26. Review status: criteria provided, single submitter. Criteria: Invitae Variant Classification Sherloc (09022015). Collection method: clinical testing. Allele origin: germline.

Women's Health and Genetics/Laboratory Corporation of America, LabCorp
Classification: Benign. Last evaluated: 2026-01-21. Review status: criteria provided, single submitter. Criteria: LabCorp Variant Classification Summary - May 2015. Collection method: clinical testing. Allele origin: germline.

Mayo Clinic Laboratories, Mayo Clinic
Classification: Benign. Last evaluated: 2022-09-06. Review status: criteria provided, single submitter. Criteria: ACMG Guidelines, 2015. Collection method: clinical testing. Allele origin: germline. Observed: 7 variant alleles.

Illumina Laboratory Services, Illumina
Classification: Benign for Leukocyte adhesion deficiency 1. Last evaluated: 2018-01-13. Review status: criteria provided, single submitter. Criteria: ICSL Variant Classification Criteria 13 December 2019. Collection method: clinical testing. Allele origin: germline.
Comment: This variant was observed in the ICSL laboratory as part of a predisposition screen in an ostensibly healthy population. It had not been previously curated by ICSL or reported in the Human Gene Mutation Database (HGMD: prior to June 1st, 2018), and was therefore a candidate for classification through an automated scoring system. Utilizing variant allele frequency, disease prevalence and penetrance estimates, and inheritance mode, an automated score was calculated to assess if this variant is too frequent to cause the disease. Based on the score and internal cut-off values, a variant classified as benign is not then subjected to further curation. The score for this variant resulted in a classification of benign for this disease.

Breakthrough Genomics
Classification: Benign. Review status: criteria provided, single submitter. Criteria: ACMG Guidelines, 2015. Collection method: not provided. Allele origin: germline. Inheritance: Autosomal recessive inheritance. Affected: yes.